The following is an entry in ClinVar:

ClinVar aggregate classification (germline): Uncertain significance. Review status: criteria provided, multiple submitters, no conflicts (2 of 4 stars). 3 submissions from 3 submitters: Uncertain significance (3). Last evaluated 2025-03-01.

Conditions:
Inborn genetic diseases. Identifiers: MedGen C0950123, MeSH D030342.
Familial sleep-related hypermotor epilepsy. Also called: Autosomal Dominant Sleep-Related Hypermotor (Hyperkinetic) Epilepsy. Identifiers: Orphanet 98784, MedGen C3696898, MONDO:0000030.

gnomAD v4.1: 1 of 1,611,284 alleles (0.000062%); no homozygotes.

Submissions (3):

Labcorp Genetics (formerly Invitae), Labcorp
Classification: Uncertain significance. Last evaluated: 2025-03-01. Review status: criteria provided, single submitter. Criteria: Invitae Variant Classification Sherloc (09022015). Collection method: clinical testing. Allele origin: germline.
Comment: This sequence change replaces proline, which is neutral and non-polar, with serine, which is neutral and polar, at codon 621 of the CHRNA4 protein (p.Pro621Ser). This variant is present in population databases (rs199852690, gnomAD 0.003%). This variant has not been reported in the literature in individuals affected with CHRNA4-related conditions. ClinVar contains an entry for this variant (Variation ID: 3267168). An algorithm developed to predict the effect of missense changes on protein structure and function (PolyPhen-2) suggests that this variant is likely to be disruptive. In summary, the available evidence is currently insufficient to determine the role of this variant in disease. Therefore, it has been classified as a Variant of Uncertain Significance.

GeneDx
Classification: Uncertain significance. Last evaluated: 2025-01-29. Review status: criteria provided, single submitter. Criteria: GeneDx Variant Classification Process June 2021. Collection method: clinical testing. Allele origin: germline. Affected: yes.
Comment: Not observed at significant frequency in large population cohorts (gnomAD); In silico analysis supports that this missense variant has a deleterious effect on protein structure/function; Has not been previously published as pathogenic or benign to our knowledge

Ambry Genetics
Classification: Uncertain significance for Inborn genetic diseases. Last evaluated: 2024-03-28. Review status: criteria provided, single submitter. Criteria: Ambry Variant Classification Scheme 2023. Collection method: clinical testing. Allele origin: germline.

NM_000744.7(CHRNA4):c.1861C>T (p.Pro621Ser)

Gene: CHRNA4 (cholinergic receptor nicotinic alpha 4 subunit; minus strand). Cytogenetic location: 20q13.33.
Variant type: single nucleotide variant.
Coding change: c.1861C>T on transcript NM_000744.7 (MANE Select); coding-DNA position 1861, C replaced by T.
Protein change: p.Pro621Ser; replaces proline 621 with serine.
Molecular consequence: missense variant. On other transcripts: non-coding transcript variant (1).
Genome position (GRCh38, 1-based): chr20:63,346,761, G>A on the plus strand (C>T on the coding strand, the complement: CHRNA4 is on the minus strand). VCF-style: chr20-63346761-G-A. GRCh37 (hg19) VCF-style: chr20-61978113-G-A.
Other names: c.1333C>T, p.Pro445Ser (NM_001256573.2); short protein forms P445S, P621S.
Identifiers: ClinVar variation 3267168 (VCV003267168.3).